The following is an entry in ClinVar:

NM_001077620.3(PRCD):c.5G>A (p.Cys2Tyr)

Genes: CYGB (cytoglobin; minus strand), PRCD (photoreceptor disc component; plus strand). Cytogenetic location: 17q25.1.
Variant type: single nucleotide variant.
Coding change: c.5G>A on transcript NM_001077620.3 (MANE Select); coding-DNA position 5, G replaced by A.
Protein change: p.Cys2Tyr; replaces cysteine 2 with tyrosine.
Molecular consequence: missense variant.
Genome position (GRCh38, 1-based): chr17:76,540,146, G>A. VCF-style: chr17-76540146-G-A. GRCh37 (hg19) VCF-style: chr17-74536228-G-A.
Other names: short protein forms C2Y.
Identifiers: ClinVar variation 1188 (VCV000001188.8), dbSNP rs121918369, ClinGen allele CA251714.
Genomic context (GRCh38, chr17:76,540,146, plus strand): 5'-CCCTCGCCTGTGGCCTTCTGCAGACTTGGCCTGGGAGGGGATGGGGCAGCTGCGCCATGT[G>A]CACCACCCTTTTCCTGCTCAGCACCCTGGCCATGCTCTGGCGCCGCCGATTTGCCAACCG-3'
Protein context (NP_001071088.1, residues 1-12): M[Cys2Tyr]TTLFLLSTLA

ClinVar aggregate classification (germline): Uncertain significance. Review status: criteria provided, multiple submitters, no conflicts (2 of 4 stars). 3 submissions from 3 submitters: Uncertain significance (2). 1 of the submissions does not count toward it. Last evaluated 2025-07-17.

Conditions:
Retinitis pigmentosa 36 (RP36). Identifiers: Orphanet 791, MedGen C1864621, MONDO:0012523, OMIM 610599.

Submissions (3):

Women's Health and Genetics/Laboratory Corporation of America, LabCorp
Classification: Uncertain significance. Last evaluated: 2025-07-17. Review status: criteria provided, single submitter. Criteria: LabCorp Variant Classification Summary - May 2015. Collection method: clinical testing. Allele origin: germline.
Comment: Variant summary: PRCD c.5G>A (p.Cys2Tyr) results in a non-conservative amino acid change in the encoded protein sequence. Algorithms developed to predict the effect of missense changes on protein structure and function all suggest that this variant is likely to be disruptive. The frequency data for this variant in gnomAD is considered unreliable, as metrics indicate poor data quality at this position. c.5G>A has been observed in an individual affected with Retinitis Pigmentosa (Zangerl_2006). These data indicate that the variant may be associated with disease. This publication also reports experimental evidence evaluating an impact on protein function, however, does not allow convincing conclusions about the variant effect. The following publication has been ascertained in the context of this evaluation (PMID: 16938425). ClinVar contains an entry for this variant (Variation ID: 1188). Based on the evidence outlined above, the variant was classified as VUS-possibly pathogenic.

Labcorp Genetics (formerly Invitae), Labcorp
Classification: Uncertain significance. Last evaluated: 2023-08-04. Review status: criteria provided, single submitter. Criteria: Invitae Variant Classification Sherloc (09022015). Collection method: clinical testing. Allele origin: germline.
Comment: An algorithm developed to predict the effect of missense changes on protein structure and function (PolyPhen-2) suggests that this variant is likely to be disruptive. In summary, the available evidence is currently insufficient to determine the role of this variant in disease. Therefore, it has been classified as a Variant of Uncertain Significance. Studies have shown that this missense change alters PRCD gene expression (PMID: 24992209). ClinVar contains an entry for this variant (Variation ID: 1188). This missense change has been observed in individual(s) with retinitis pigmentosa (PMID: 16938425). This variant is not present in population databases (gnomAD no frequency). This sequence change replaces cysteine, which is neutral and slightly polar, with tyrosine, which is neutral and polar, at codon 2 of the PRCD protein (p.Cys2Tyr).

OMIM
Classification: Pathogenic for RETINITIS PIGMENTOSA 36. Last evaluated: 2006-11-01. Review status: no assertion criteria provided. Collection method: literature only. Allele origin: germline. Not counted in ClinVar's aggregate classification.

Literature cited by the submitters: PubMed 16938425 (cited by 3 submitters); PubMed 24992209 (cited by Labcorp Genetics (formerly Invitae), Labcorp).